The following is an entry in ClinVar:

ClinVar aggregate classification (germline): Uncertain significance (1 of 4 stars; one submission).

Allele frequency attached by ClinVar (database versions not stated): TOPMed below 0.00001; gnomAD exomes 0.00001; ExAC 0.00002.
gnomAD v4.1: 14 of 1,604,512 alleles (0.00087%); highest among the groups gnomAD compares: Non-Finnish European, 0.0012%; no homozygotes.

Submission:

Labcorp Genetics (formerly Invitae), Labcorp
Classification: Uncertain significance. Last evaluated: 2022-07-19. Review status: criteria provided, single submitter. Criteria: Invitae Variant Classification Sherloc (09022015). Collection method: clinical testing. Allele origin: germline.
Comment: In summary, the available evidence is currently insufficient to determine the role of this variant in disease. Therefore, it has been classified as a Variant of Uncertain Significance. Algorithms developed to predict the effect of missense changes on protein structure and function are either unavailable or do not agree on the potential impact of this missense change (SIFT: "Deleterious"; PolyPhen-2: "Probably Damaging"; Align-GVGD: "Class C15"). This variant has not been reported in the literature in individuals affected with IFT81-related conditions. This variant is present in population databases (rs747422321, gnomAD 0.002%). This sequence change replaces glutamic acid, which is acidic and polar, with lysine, which is basic and polar, at codon 130 of the IFT81 protein (p.Glu130Lys).

NM_014055.4(IFT81):c.388G>A (p.Glu130Lys)

Gene: IFT81 (intraflagellar transport 81; plus strand). Cytogenetic location: 12q24.11.
Variant type: single nucleotide variant.
Coding change: c.388G>A on transcript NM_014055.4 (MANE Select); coding-DNA position 388, G replaced by A.
Protein change: p.Glu130Lys; replaces glutamic acid 130 with lysine.
Molecular consequence: missense variant. On other transcripts: 5 prime UTR variant (2), non-coding transcript variant (4).
Genome position (GRCh38, 1-based): chr12:110,129,089, G>A. VCF-style: chr12-110129089-G-A. GRCh37 (hg19) VCF-style: chr12-110566894-G-A.
Other names: c.388G>A, p.Glu130Lys (NM_001143779.2, NM_001347946.2, NM_031473.4); c.-379G>A (NM_001347947.2, NM_001347948.2); short protein forms E130K.
Identifiers: ClinVar variation 2166382 (VCV002166382.4), dbSNP rs747422321, ClinGen allele CA6783065.